The following is an entry in ClinVar:

ClinVar aggregate classification (germline): Uncertain significance. Review status: criteria provided, multiple submitters, no conflicts (2 of 4 stars). 2 submissions from 2 submitters: Uncertain significance (2). Last evaluated 2025-09-17.

Conditions:
Hereditary cancer-predisposing syndrome. Also called: Tumor predisposition; Neoplastic Syndromes, Hereditary; Hereditary Cancer Syndrome; Hereditary neoplastic syndrome. Identifiers: Orphanet 140162, MedGen C0027672, MeSH D009386, MONDO:0015356.
DICER1-related tumor predisposition. Also called: DICER1 syndrome; DICER1-related pleuropulmonary blastoma cancer predisposition syndrome. Identifiers: Orphanet 284343, MedGen C3839822, MONDO:0100216.

Allele frequency attached by ClinVar (database versions not stated): gnomAD exomes below 0.00001.
gnomAD v4.1: 1 of 1,613,242 alleles (0.000062%); highest among the groups gnomAD compares: East Asian, 0.0022%; no homozygotes.

Submissions (2):

Ambry Genetics
Classification: Uncertain significance for Hereditary cancer-predisposing syndrome. Last evaluated: 2025-09-17. Review status: criteria provided, single submitter. Criteria: Ambry Variant Classification Scheme 2023. Collection method: clinical testing. Allele origin: germline.
Comment: The p.L166P variant (also known as c.497T>C), located in coding exon 4 of the DICER1 gene, results from a T to C substitution at nucleotide position 497. The leucine at codon 166 is replaced by proline, an amino acid with similar properties. This amino acid position is conserved. In addition, the in silico prediction for this alteration is inconclusive. Since supporting evidence is limited at this time, the clinical significance of this alteration remains unclear.

Labcorp Genetics (formerly Invitae), Labcorp
Classification: Uncertain significance for DICER1-related tumor predisposition. Last evaluated: 2021-02-12. Review status: criteria provided, single submitter. Criteria: Invitae Variant Classification Sherloc (09022015). Collection method: clinical testing. Allele origin: germline.
Comment: In summary, the available evidence is currently insufficient to determine the role of this variant in disease. Therefore, it has been classified as a Variant of Uncertain Significance. Algorithms developed to predict the effect of missense changes on protein structure and function (SIFT, PolyPhen-2, Align-GVGD) all suggest that this variant is likely to be disruptive, but these predictions have not been confirmed by published functional studies and their clinical significance is uncertain. This variant has not been reported in the literature in individuals with DICER1-related conditions. This variant is not present in population databases (ExAC no frequency). This sequence change replaces leucine with proline at codon 166 of the DICER1 protein (p.Leu166Pro). The leucine residue is highly conserved and there is a moderate physicochemical difference between leucine and proline.

NM_177438.3(DICER1):c.497T>C (p.Leu166Pro)

Gene: DICER1 (dicer 1, ribonuclease III; minus strand). Cytogenetic location: 14q32.13.
Variant type: single nucleotide variant.
Coding change: c.497T>C on transcript NM_177438.3 (MANE Select); coding-DNA position 497, T replaced by C.
Protein change: p.Leu166Pro; replaces leucine 166 with proline.
Molecular consequence: missense variant.
Genome position (GRCh38, 1-based): chr14:95,130,134, A>G on the plus strand (T>C on the coding strand, the complement: DICER1 is on the minus strand). VCF-style: chr14-95130134-A-G. GRCh37 (hg19) VCF-style: chr14-95596471-A-G.
Other names: c.497T>C (NM_177438.2); c.497T>C, p.Leu166Pro (NM_001195573.1, NM_001271282.3, NM_001291628.2 and 1 more transcripts); short protein forms L166P.
Identifiers: ClinVar variation 1057581 (VCV001057581.12), dbSNP rs2140267054, ClinGen allele CA390888493.